The following is an entry in ClinVar:

NM_006030.4(CACNA2D2):c.152T>C (p.Leu51Pro)

Gene: CACNA2D2 (calcium voltage-gated channel auxiliary subunit alpha2delta 2; minus strand). Cytogenetic location: 3p21.31.
Variant type: single nucleotide variant.
Coding change: c.152T>C on transcript NM_006030.4 (MANE Select); coding-DNA position 152, T replaced by C.
Protein change: p.Leu51Pro; replaces leucine 51 with proline.
Molecular consequence: missense variant. On other transcripts: intron variant (1).
Genome position (GRCh38, 1-based): chr3:50,503,272, A>G on the plus strand (T>C on the coding strand, the complement: CACNA2D2 is on the minus strand). VCF-style: chr3-50503272-A-G. GRCh37 (hg19) VCF-style: chr3-50540703-A-G.
Other names: c.152T>C, p.Leu51Pro (NM_001005505.3, NM_001174051.3); c.-2+797T>C (NM_001291101.1); short protein forms L51P.
Identifiers: ClinVar variation 1525720 (VCV001525720.9), dbSNP rs2107205329, ClinGen allele CA353000275.
Genomic context (GRCh38, chr3:50,503,272, plus strand): 5'-ACTTACGTGTGCTGCTGGGGGAAGCTGTAGGCAGAGGCGCCGGGGGCGGCGAGCAGCGGT[A>G]GAAGCGGCAGCAGCAGCCACAGCGGGCGCGGGGGCCCGGACGTCGGGCGCCGGGTGCCGG-3'
Protein context (NP_006021.2, residues 41-61): PRPLWLLLPL[Leu51Pro]PLLAAPGASA

ClinVar aggregate classification (germline): Uncertain significance (1 of 4 stars; one submission).

Conditions:
Early-infantile DEE. Also called: Ohtahara syndrome; Early infantile epileptic encephalopathy; Early infantile epileptic encephalopathy with suppression bursts. Identifiers: Orphanet 1934, MedGen C0393706, MONDO:0800491.

Submission:

Labcorp Genetics (formerly Invitae), Labcorp
Classification: Uncertain significance for Early-infantile DEE. Last evaluated: 2022-08-09. Review status: criteria provided, single submitter. Criteria: Invitae Variant Classification Sherloc (09022015). Collection method: clinical testing. Allele origin: germline.
Comment: This sequence change replaces leucine, which is neutral and non-polar, with proline, which is neutral and non-polar, at codon 51 of the CACNA2D2 protein (p.Leu51Pro). In summary, the available evidence is currently insufficient to determine the role of this variant in disease. Therefore, it has been classified as a Variant of Uncertain Significance. Algorithms developed to predict the effect of missense changes on protein structure and function are either unavailable or do not agree on the potential impact of this missense change (SIFT: "Tolerated"; PolyPhen-2: "Not Available"; Align-GVGD: "Class C0"). ClinVar contains an entry for this variant (Variation ID: 1525720). This variant has not been reported in the literature in individuals affected with CACNA2D2-related conditions. This variant is not present in population databases (gnomAD no frequency).